The following is an entry in ClinVar:

ClinVar aggregate classification (germline): Conflicting classifications of pathogenicity. Review status: criteria provided, conflicting classifications (1 of 4 stars). 8 submissions from 8 submitters: Pathogenic (1); Likely pathogenic (4); Uncertain significance (3). Last evaluated 2026-06-09.

Conditions:
MC4R-related disorder. Also called: MC4R-related condition.
Early onset severe obesity. Identifiers: MedGen C4013980.
Obesity due to melanocortin 4 receptor deficiency. Identifiers: Orphanet 71529, MedGen C4273958, MONDO:0019115.
Obesity. Also called: Obesity disorder. Identifiers: Orphanet 71529, MedGen C0028754, MeSH D009765, MONDO:0011122, HP:0001513.

Allele frequency attached by ClinVar (database versions not stated): ExAC 0.00002; gnomAD exomes 0.00002 and 0.00003; gnomAD 0.00005; TOPMed 0.00006; 1000 Genomes Project 30x 0.00016; 1000 Genomes Project 0.00020.
gnomAD v4.1: 36 of 1,614,068 alleles (0.0022%); highest among the groups gnomAD compares: Admixed American, 0.01%; no homozygotes.

Submissions (8):

PreventionGenetics, part of Exact Sciences
Classification: Likely pathogenic for MC4R-related condition. Last evaluated: 2026-06-09. Review status: criteria provided, single submitter. Criteria: ACMG Guidelines, 2015. Collection method: clinical testing. Allele origin: germline.
Comment: The MC4R c.913C>T variant is predicted to result in the amino acid substitution p.Arg305Trp. This variant has been reported in the heterozygous state in a number of patients with obesity, including one with a de novo variant (Lubrano-Berthelier et al. 2006. PubMed ID: 16507637; Stutzmann et al. 2008. PubMed ID: 18559663; Kleinendorst et al. 2018. PubMed ID: 29970488; Polak et al. 2016. PubMed ID: 26244670). Functional studies have shown that the c.913C>T variant leads to a reduction in protein function (Lubrano-Berthelier et al. 2006. PubMed ID: 16507637; Stutzmann et al. 2008. PuMed ID: 18559663; Roubert et al. 2010. PubMed ID: 20696697). A different substitution at the same amino acid (p.Arg305Gln) has also been reported to cause obesity (see for example Reinehr et al. 2009. PubMed ID: 18997677). Taken together, we consider the evidence sufficient to classify the c.913C>T (p.Arg305Trp) variant found in this patient as likely pathogenic.

Labcorp Genetics (formerly Invitae), Labcorp
Classification: Uncertain significance. Last evaluated: 2024-04-05. Review status: criteria provided, single submitter. Criteria: Invitae Variant Classification Sherloc (09022015). Collection method: clinical testing. Allele origin: germline.
Comment: This sequence change replaces arginine, which is basic and polar, with tryptophan, which is neutral and slightly polar, at codon 305 of the MC4R protein (p.Arg305Trp). This variant is present in population databases (rs549442687, gnomAD 0.01%). This missense change has been observed in individual(s) with obesity (PMID: 12851297, 16507637, 18559663, 20696697, 29970488). ClinVar contains an entry for this variant (Variation ID: 586138). Advanced modeling of protein sequence and biophysical properties (such as structural, functional, and spatial information, amino acid conservation, physicochemical variation, residue mobility, and thermodynamic stability) performed at Invitae indicates that this missense variant is not expected to disrupt MC4R protein function with a negative predictive value of 80%. Experimental studies have shown that this missense change affects MC4R function (PMID: 16507637, 18559663, 20696697). In summary, the available evidence is currently insufficient to determine the role of this variant in disease. Therefore, it has been classified as a Variant of Uncertain Significance.

Cambridge Genomics Laboratory, East Genomic Laboratory Hub, NHS Genomic Medicine Service
Classification: Uncertain significance for Severe early-onset obesity. Last evaluated: 2023-11-16. Review status: criteria provided, single submitter. Criteria: ACGS Best Practice Guidelines for Variant Classification in Rare Disease 2020. Collection method: clinical testing. Allele origin: germline. Affected: yes.
Comment: Functional studies demonstrate that this variant has a damaging effect on the gene or gene product (PS3_Moderate - Moderate) | The patient's phenotype or family history is highly specific for a disease with a single genetic etiology. (PP4 - Supporting)

GeneDx
Classification: Likely pathogenic. Last evaluated: 2022-12-30. Review status: criteria provided, single submitter. Criteria: GeneDx Variant Classification Process June 2021. Collection method: clinical testing. Allele origin: germline. Affected: yes.
Comment: Published functional studies demonstrate a damaging effect: R305W has decreased membrane expression and basal activity (Lubrano-Berthelier et al., 2006; Roubert et al., 2010); Identified in the heterozygous state in patients with obesity in published literature (Abawi et al., 2022; Kleinendorst et al., 2018; Lubrano-Berthelier et al., 2006; Polk et al., 2016); In silico analysis supports that this missense variant has a deleterious effect on protein structure/function; This variant is associated with the following publications: (PMID: 12851297, 18559663, 20696697, 16507637, 29970488, 35898454, 29031731, 32952152, 28284973, 31417496, 26119161, 26244670)

Laboratory for Molecular Medicine, Mass General Brigham Personalized Medicine
Classification: Likely pathogenic for Obesity due to melanocortin 4 receptor deficiency. Last evaluated: 2022-02-25. Review status: criteria provided, single submitter. Criteria: ACMG Guidelines, 2015. Collection method: clinical testing. Allele origin: germline.
Comment: proposed classification - variant undergoing re-assessment, contact laboratory

Broad Center for Mendelian Genomics, Broad Institute of MIT and Harvard
Classification: Uncertain significance for Obesity. Last evaluated: 2020-01-22. Review status: criteria provided, single submitter. Criteria: ACMG Guidelines, 2015. Collection method: curation. Allele origin: germline. Inheritance: Autosomal dominant inheritance.
Comment: Although this variant has been seen in the general population, its frequency is low enough to be consistent with a carrier frequency. Please note that for diseases with clinical variability, or reduced penetrance, pathogenic variants may be present at a low frequency in the general population. This variant has also been reported in ClinVar (Variation ID: 586138). In vitro functional studies provide some evidence that the p.Arg305Trp variant may impact protein function (PMID: 16507637, 20696697). However, these types of assays may not accurately represent biological function. Computational prediction tools and conservation analyses do not provide strong support for or against an impact to the protein. In summary, while there is some suspicion for a pathogenic role, the clinical significance of this variant is uncertain. ACMG/AMP Criteria applied: PS3_Moderate, PM2_Supporting, PS4_Supporting (Richards 2015).

Genetic Services Laboratory, University of Chicago
Classification: Pathogenic. Last evaluated: 2019-09-04. Review status: criteria provided, single submitter. Criteria: ACMG Guidelines, 2015. Collection method: clinical testing. Allele origin: germline. Affected: yes.
Comment: DNA sequence and deletion/duplication analysis of the MC4R gene demonstrated a sequence change, c.913C>T, in exon 1 that results in an amino acid change, p.Arg305Trp. The p.Arg305Trp change has been identified in three individuals with obesity (PMIDs: 29970488, 20696697, 16507637). The p.Arg305Trp change was found to be a de novo change in one of these individuals (PMID 29970488). This sequence change has been described in the gnomAD database with a frequency of 0.011% in Latino populations (dbSNP rs549442687). The p.Arg305Trp change affects a highly conserved amino acid residue located in a domain of the MC4R protein that is known to be functional. The p.Arg305Trp substitution appears to be deleterious using several in-silico pathogenicity prediction tools (SIFT, PolyPhen2, Align GVGD, REVEL). Functional studies demonstrated that this sequence change results in both reduced basal activity and _-MSH potency (PMID: 20696697, 16507637).

Athena Diagnostics
Classification: Likely pathogenic. Last evaluated: 2017-09-08. Review status: criteria provided, single submitter. Criteria: Athena Diagnostics Criteria. Collection method: clinical testing. Allele origin: germline.

Literature cited by the submitters: PubMed 12851297 (cited by Labcorp Genetics (formerly Invitae), Labcorp); PubMed 16507637 (cited by Labcorp Genetics (formerly Invitae), Labcorp and Athena Diagnostics); PubMed 18559663 (cited by Labcorp Genetics (formerly Invitae), Labcorp and Athena Diagnostics); PubMed 20696697 (cited by Labcorp Genetics (formerly Invitae), Labcorp and Athena Diagnostics); PubMed 29970488 (cited by Labcorp Genetics (formerly Invitae), Labcorp); PubMed 26244670 (cited by Athena Diagnostics).

NM_005912.3(MC4R):c.913C>T (p.Arg305Trp)

Gene: MC4R (melanocortin 4 receptor; minus strand). Cytogenetic location: 18q21.32.
Variant type: single nucleotide variant.
Coding change: c.913C>T on transcript NM_005912.3 (MANE Select); coding-DNA position 913, C replaced by T.
Protein change: p.Arg305Trp; replaces arginine 305 with tryptophan.
Molecular consequence: missense variant.
Genome position (GRCh38, 1-based): chr18:60,371,437, G>A on the plus strand (C>T on the coding strand, the complement: MC4R is on the minus strand). VCF-style: chr18-60371437-G-A. GRCh37 (hg19) VCF-style: chr18-58038670-G-A.
Other names: short protein forms R305W.
Identifiers: ClinVar variation 586138 (VCV000586138.15), dbSNP rs549442687, ClinGen allele CA8980811.